The following is an entry in ClinVar:

NM_001257096.2(PAX1):c.104G>A (p.Cys35Tyr)

Gene: PAX1 (paired box 1; plus strand). Cytogenetic location: 20p11.22.
Variant type: single nucleotide variant.
Coding change: c.104G>A on transcript NM_001257096.2 (MANE Select); coding-DNA position 104, G replaced by A.
Protein change: p.Cys35Tyr; replaces cysteine 35 with tyrosine.
Molecular consequence: missense variant.
Genome position (GRCh38, 1-based): chr20:21,705,816, G>A. VCF-style: chr20-21705816-G-A. GRCh37 (hg19) VCF-style: chr20-21686454-G-A.
Other names: c.104G>A, p.Cys35Tyr (NM_006192.5); short protein forms C35Y.
Identifiers: ClinVar variation 1924468 (VCV001924468.3), dbSNP rs1393772037, ClinGen allele CA408496875.
Genomic context (GRCh38, chr20:21,705,816, plus strand): 5'-CCTGGGAGGGGGCAGCAGCGGCGGCGGCAGGCCCTGGAGCGGGCGGCAGCGCGCTCCGCT[G>A]CCGCGCACAGCGCGTCTCCAGCCCGCGGCTGGGCCGCCGCGGCTCTCGGCTCTCGGGCGC-3'
Protein context (NP_001244025.1, residues 25-45): GPGAGGSALR[Cys35Tyr]RAQRVSSPRL

ClinVar aggregate classification (germline): Uncertain significance (1 of 4 stars; one submission).

Allele frequency attached by ClinVar (database versions not stated): gnomAD 0.00001; gnomAD exomes 0.00002; TOPMed 0.00002.
gnomAD v4.1: 20 of 1,316,834 alleles (0.0015%); highest among the groups gnomAD compares: Non-Finnish European, 0.0017%; no homozygotes.

Submission:

Labcorp Genetics (formerly Invitae), Labcorp
Classification: Uncertain significance. Last evaluated: 2025-11-05. Review status: criteria provided, single submitter. Criteria: Invitae Variant Classification Sherloc (09022015). Collection method: clinical testing. Allele origin: germline.
Comment: This sequence change replaces cysteine, which is neutral and slightly polar, with tyrosine, which is neutral and polar, at codon 35 of the PAX1 protein (p.Cys35Tyr). This variant is not present in population databases (gnomAD no frequency). This variant has not been reported in the literature in individuals affected with PAX1-related conditions. ClinVar contains an entry for this variant (Variation ID: 1924468). An algorithm developed to predict the effect of missense changes on protein structure and function (PolyPhen-2) suggests that this variant is likely to be tolerated. In summary, the available evidence is currently insufficient to determine the role of this variant in disease. Therefore, it has been classified as a Variant of Uncertain Significance.